The following is an entry in ClinVar:

NM_015895.5(GMNN):c.406A>G (p.Lys136Glu)

Gene: GMNN (geminin DNA replication inhibitor; plus strand). Cytogenetic location: 6p22.3.
Variant type: single nucleotide variant.
Coding change: c.406A>G on transcript NM_015895.5 (MANE Select); coding-DNA position 406, A replaced by G.
Protein change: p.Lys136Glu; replaces lysine 136 with glutamic acid.
Molecular consequence: missense variant.
Genome position (GRCh38, 1-based): chr6:24,784,492, A>G. VCF-style: chr6-24784492-A-G. GRCh37 (hg19) VCF-style: chr6-24784720-A-G.
Other names: c.406A>G, p.Lys136Glu (NM_001251989.2, NM_001251990.2, NM_001251991.1); short protein forms K136E.
Identifiers: ClinVar variation 2375778 (VCV002375778.5), dbSNP rs199710640, ClinGen allele CA3658914.

ClinVar aggregate classification (germline): Conflicting classifications of pathogenicity. Review status: criteria provided, conflicting classifications (1 of 4 stars). 2 submissions from 2 submitters: Uncertain significance (1); Likely benign (1). Last evaluated 2024-03-04.

Conditions:
Inborn genetic diseases. Identifiers: MedGen C0950123, MeSH D030342.

Allele frequency attached by ClinVar (database versions not stated): ExAC 0.00004; gnomAD 0.00005; TOPMed 0.00005; ESP Exome Variant Server 0.00008; gnomAD exomes 0.00009.
gnomAD v4.1: 140 of 1,588,856 alleles (0.0088%); highest among the groups gnomAD compares: Non-Finnish European, 0.012%; no homozygotes.

Submissions (2):

Labcorp Genetics (formerly Invitae), Labcorp
Classification: Uncertain significance. Last evaluated: 2024-03-04. Review status: criteria provided, single submitter. Criteria: Invitae Variant Classification Sherloc (09022015). Collection method: clinical testing. Allele origin: germline.
Comment: This sequence change replaces lysine, which is basic and polar, with glutamic acid, which is acidic and polar, at codon 136 of the GMNN protein (p.Lys136Glu). This variant is present in population databases (rs199710640, gnomAD 0.007%). This variant has not been reported in the literature in individuals affected with GMNN-related conditions. ClinVar contains an entry for this variant (Variation ID: 2375778). Algorithms developed to predict the effect of missense changes on protein structure and function output the following: SIFT: "Not Available"; PolyPhen-2: "Benign"; Align-GVGD: "Not Available". The glutamic acid amino acid residue is found in multiple mammalian species, which suggests that this missense change does not adversely affect protein function. In summary, the available evidence is currently insufficient to determine the role of this variant in disease. Therefore, it has been classified as a Variant of Uncertain Significance.

Ambry Genetics
Classification: Likely benign for Inborn genetic diseases. Last evaluated: 2021-07-13. Review status: criteria provided, single submitter. Criteria: Ambry Variant Classification Scheme 2023. Collection method: clinical testing. Allele origin: germline.